The following is an entry in ClinVar:

NM_000552.5(VWF):c.3842T>C (p.Leu1281Pro)

Gene: VWF (von Willebrand factor; minus strand). Cytogenetic location: 12p13.31.
Variant type: single nucleotide variant.
Coding change: c.3842T>C on transcript NM_000552.5 (MANE Select); coding-DNA position 3842, T replaced by C.
Protein change: p.Leu1281Pro; replaces leucine 1281 with proline.
Molecular consequence: missense variant.
Genome position (GRCh38, 1-based): chr12:6,019,576, A>G on the plus strand (T>C on the coding strand, the complement: VWF is on the minus strand). VCF-style: chr12-6019576-A-G. GRCh37 (hg19) VCF-style: chr12-6128742-A-G.
Other names: short protein forms L1281P.
Identifiers: ClinVar variation 627206 (VCV000627206.3), dbSNP rs1591863438, ClinGen allele CA383506852.

ClinVar aggregate classification (germline): Conflicting classifications of pathogenicity. Review status: criteria provided, conflicting classifications (1 of 4 stars). 2 submissions from 2 submitters: Likely pathogenic (1); Uncertain significance (1). Last evaluated 2019-02-01.

Conditions:
von Willebrand disease type 2 (VWD2). Also called: VON WILLEBRAND DISEASE, TYPE 2A/IIE; VON WILLEBRAND DISEASE, TYPE 2CB; VON WILLEBRAND DISEASE, TYPE II; VWD, TYPE 2. Identifiers: Orphanet 166081, Orphanet 903, MedGen C1264040, MONDO:0013304, OMIM 613554.
von Willebrand disease type 1 (VWD1). Also called: VON WILLEBRAND DISEASE, TYPE I; VWD, TYPE 1. Identifiers: Orphanet 166078, Orphanet 903, MedGen C1264039, MONDO:0008668, OMIM 193400. Inheritance: autosomal recessive or autosomal dominant.

Submissions (2):

NIHR Bioresource Rare Diseases, University of Cambridge
Classification: Uncertain significance for von Willebrand disease type 2. Last evaluated: 2019-02-01. Review status: criteria provided, single submitter. Criteria: ACMG Guidelines, 2015. Collection method: research. Allele origin: unknown. Affected: yes. Observed: 1 heterozygote. Study: ThromboGenomics.

ISTH-SSC Genomics in Thrombosis and Hemostasis, KU Leuven, Center for Molecular and Vascular Biology
Classification: Likely pathogenic for von Willebrand disease type 1. Review status: criteria provided, single submitter. Criteria: ACMG Guidelines, 2015. Collection method: clinical testing. Allele origin: unknown. Affected: yes.
Comment: Submitted to GoldVariant by Kathleen Freson, Center for Molecular and Vascular Biology, Leuven, Belgium

Literature cited by the submitters: PubMed 31064749 (cited by NIHR Bioresource Rare Diseases, University of Cambridge); PubMed 34355501 (cited by ISTH-SSC Genomics in Thrombosis and Hemostasis, KU Leuven, Center for Molecular and Vascular Biology).